The following is an entry in ClinVar:

ClinVar aggregate classification (germline): Uncertain significance (1 of 4 stars; one submission).

gnomAD v4.1: 26 of 1,537,062 alleles (0.0017%); highest among the groups gnomAD compares: Non-Finnish European, 0.0021%; no homozygotes.

Submission:

CeGaT Center for Human Genetics Tuebingen
Classification: Uncertain significance. Last evaluated: 2026-06-01. Review status: criteria provided, single submitter. Criteria: CeGaT Center For Human Genetics Tuebingen Variant Classification Criteria Version 2. Collection method: clinical testing. Allele origin: germline. Affected: yes. Observed: 1 variant allele.
Comment: PIEZO2: PP2, BP4

NM_001378183.1(PIEZO2):c.4784A>T (p.Asp1595Val)

Gene: PIEZO2 (piezo type mechanosensitive ion channel component 2; minus strand). Cytogenetic location: 18p11.22.
Variant type: single nucleotide variant.
Coding change: c.4784A>T on transcript NM_001378183.1 (MANE Select); coding-DNA position 4784, A replaced by T.
Protein change: p.Asp1595Val; replaces aspartic acid 1595 with valine.
Molecular consequence: missense variant.
Genome position (GRCh38, 1-based): chr18:10,736,635, T>A on the plus strand (A>T on the coding strand, the complement: PIEZO2 is on the minus strand). VCF-style: chr18-10736635-T-A. GRCh37 (hg19) VCF-style: chr18-10736633-T-A.
Other names: c.4784A>T, p.Asp1595Val (NM_001410871.1); c.4709A>T, p.Asp1570Val (NM_022068.4); short protein forms D1570V, D1595V.
Identifiers: ClinVar variation 4874050 (VCV004874050.2).
Genomic context (GRCh38, chr18:10,736,635, plus strand): 5'-AGCAAAGAAATGATTTTCCCCATAATTACCTGGAATGCTGACCTTCGTGGAGGTTCTTCA[T>A]CTTCCTTCTTTAATTCTTCCTCTTCCTCCTCTTCACTATCCGTTTCAAACAAATAATAAT-3'
Protein context (NP_001365112.1, residues 1585-1605): EEEEEELKKE[Asp1595Val]EEPPRRSAFQ